The following is an entry in ClinVar:

NM_000059.4(BRCA2):c.155A>T (p.His52Leu)

Gene: BRCA2 (BRCA2 DNA repair associated; plus strand). Cytogenetic location: 13q13.1.
Variant type: single nucleotide variant.
Coding change: c.155A>T on transcript NM_000059.4 (MANE Select); coding-DNA position 155, A replaced by T.
Protein change: p.His52Leu; replaces histidine 52 with leucine.
Molecular consequence: missense variant. On other transcripts: 5 prime UTR variant (1), non-coding transcript variant (1).
Genome position (GRCh38, 1-based): chr13:32,319,164, A>T. VCF-style: chr13-32319164-A-T. GRCh37 (hg19) VCF-style: chr13-32893301-A-T.
Other names: c.155A>T, p.His52Leu (NM_001406719.1, NM_001406720.1, NM_001406721.1); c.-215A>T (NM_001406722.1); short protein forms H52L.
Identifiers: ClinVar variation 2705177 (VCV002705177.3), dbSNP rs749827015, ClinGen allele CA387754293.
Genomic context (GRCh38, chr13:32,319,164, plus strand): 5'-TTGAAGAACTTTCTTCAGAAGCTCCACCCTATAATTCTGAACCTGCAGAAGAATCTGAAC[A>T]TAAAAACAACAATTACGAACCAAACCTATTTAAAACTCCACAAAGGAAACCATCTTATAA-3'
Protein context (NP_000050.3, residues 42-62): YNSEPAEESE[His52Leu]KNNNYEPNLF

ClinVar aggregate classification (germline): Uncertain significance (1 of 4 stars; one submission).

Conditions:
Hereditary breast ovarian cancer syndrome. Also called: Hereditary breast and/or ovarian cancer syndrome; Hereditary breast and ovarian cancer syndrome (HBOC); Breast and ovarian cancer; Hereditary breast and ovarian cancer syndrome; Hereditary breast and ovarian cancer; BRCA1- and BRCA2-Associated Hereditary Breast and Ovarian Cancer. Identifiers: Orphanet 145, MedGen C0677776, MeSH D061325, MONDO:0003582. Disease mechanism: loss of function.

Submission:

Labcorp Genetics (formerly Invitae), Labcorp
Classification: Uncertain significance for Hereditary breast ovarian cancer syndrome. Last evaluated: 2023-12-24. Review status: criteria provided, single submitter. Criteria: Invitae Variant Classification Sherloc (09022015). Collection method: clinical testing. Allele origin: germline.
Comment: This sequence change replaces histidine, which is basic and polar, with leucine, which is neutral and non-polar, at codon 52 of the BRCA2 protein (p.His52Leu). This variant is not present in population databases (gnomAD no frequency). This variant has not been reported in the literature in individuals affected with BRCA2-related conditions. Advanced modeling of protein sequence and biophysical properties (such as structural, functional, and spatial information, amino acid conservation, physicochemical variation, residue mobility, and thermodynamic stability) performed at Invitae indicates that this missense variant is not expected to disrupt BRCA2 protein function with a negative predictive value of 95%. In summary, the available evidence is currently insufficient to determine the role of this variant in disease. Therefore, it has been classified as a Variant of Uncertain Significance.